The following is an entry in ClinVar:

ClinVar aggregate classification (germline): Likely pathogenic (1 of 4 stars; one submission).

Conditions:
Deficiency of 3-hydroxyacyl-CoA dehydrogenase. Also called: HADH DEFICIENCY; 3-hydroxyacyl-CoA dehydrogenase deficiency. Identifiers: Orphanet 309127, Orphanet 71212, MedGen C1291230, MONDO:0017715, OMIM 231530.

Allele frequency attached by ClinVar (database versions not stated): gnomAD exomes below 0.00001; TOPMed below 0.00001.
gnomAD v4.1: 1 of 1,541,726 alleles (0.000065%); highest among the groups gnomAD compares: Non-Finnish European, 0.00009%; no homozygotes.

Submission:

Labcorp Genetics (formerly Invitae), Labcorp
Classification: Likely pathogenic for Deficiency of 3-hydroxyacyl-CoA dehydrogenase. Last evaluated: 2023-10-10. Review status: criteria provided, single submitter. Criteria: Invitae Variant Classification Sherloc (09022015). Collection method: clinical testing. Allele origin: germline.
Comment: This sequence change affects a donor splice site in intron 5 of the HADH gene. It is expected to disrupt RNA splicing. Variants that disrupt the donor or acceptor splice site typically lead to a loss of protein function (PMID: 16199547), and loss-of-function variants in HADH are known to be pathogenic (PMID: 8825408). This variant is not present in population databases (gnomAD no frequency). This variant has not been reported in the literature in individuals affected with HADH-related conditions. Algorithms developed to predict the effect of sequence changes on RNA splicing suggest that this variant may disrupt the consensus splice site. In summary, the currently available evidence indicates that the variant is pathogenic, but additional data are needed to prove that conclusively. Therefore, this variant has been classified as Likely Pathogenic.

Literature cited by the submitters: PubMed 16199547; PubMed 8825408.

NM_005327.7(HADH):c.636+2T>C

Gene: HADH (hydroxyacyl-CoA dehydrogenase; plus strand). Cytogenetic location: 4q25.
Variant type: single nucleotide variant.
Coding change: c.636+2T>C on transcript NM_005327.7 (MANE Select); the canonical splice donor site of the intron after coding-DNA position 636, T replaced by C.
Molecular consequence: splice donor variant.
Genome position (GRCh38, 1-based): chr4:108,023,565, T>C. VCF-style: chr4-108023565-T-C. GRCh37 (hg19) VCF-style: chr4-108944721-T-C.
Other names: c.636+2T>C (NM_001184705.4); c.648+2T>C (NM_001331027.2).
Identifiers: ClinVar variation 2707419 (VCV002707419.3), dbSNP rs1735964758, ClinGen allele CA357834960.